The following is an entry in ClinVar:

NM_031229.4(RBCK1):c.770A>G (p.Gln257Arg)

Gene: RBCK1 (RANBP2-type and C3HC4-type zinc finger containing 1; plus strand). Cytogenetic location: 20p13.
Variant type: single nucleotide variant.
Coding change: c.770A>G on transcript NM_031229.4 (MANE Select); coding-DNA position 770, A replaced by G.
Protein change: p.Gln257Arg; replaces glutamine 257 with arginine.
Molecular consequence: missense variant. On other transcripts: non-coding transcript variant (1), intron variant (2).
Genome position (GRCh38, 1-based): chr20:420,884, A>G. VCF-style: chr20-420884-A-G. GRCh37 (hg19) VCF-style: chr20-401528-A-G.
Other names: c.644A>G, p.Gln215Arg (NM_006462.6); c.407+1153A>G (NM_001323956.2, NM_001323958.2); short protein forms Q257R, Q215R.
Identifiers: ClinVar variation 968309 (VCV000968309.8), dbSNP rs755744736, ClinGen allele CA407927459.

ClinVar aggregate classification (germline): Uncertain significance (1 of 4 stars; one submission).

Conditions:
Polyglucosan body myopathy type 1 (PGBM1). Also called: Polyglucosan body myopathy 1 with or without immunodeficiency; POLYGLUCOSAN BODY MYOPATHY WITHOUT IMMUNODEFICIENCY. Identifiers: Orphanet 329173, Orphanet 397937, MedGen C4014605, MONDO:0014389, OMIM 615895.

Submission:

Labcorp Genetics (formerly Invitae), Labcorp
Classification: Uncertain significance for Polyglucosan body myopathy type 1. Last evaluated: 2024-11-12. Review status: criteria provided, single submitter. Criteria: Invitae Variant Classification Sherloc (09022015). Collection method: clinical testing. Allele origin: germline.
Comment: This sequence change replaces glutamine, which is neutral and polar, with arginine, which is basic and polar, at codon 257 of the RBCK1 protein (p.Gln257Arg). This variant is not present in population databases (gnomAD no frequency). This variant has not been reported in the literature in individuals affected with RBCK1-related conditions. ClinVar contains an entry for this variant (Variation ID: 968309). Invitae Evidence Modeling of protein sequence and biophysical properties (such as structural, functional, and spatial information, amino acid conservation, physicochemical variation, residue mobility, and thermodynamic stability) indicates that this missense variant is not expected to disrupt RBCK1 protein function with a negative predictive value of 80%. In summary, the available evidence is currently insufficient to determine the role of this variant in disease. Therefore, it has been classified as a Variant of Uncertain Significance.